The following is an entry in ClinVar:

NC_000003.12:g.155142236GA[1]

Gene: MME (membrane metalloendopeptidase; plus strand). Cytogenetic location: 3q25.2.
Variant type: Microsatellite.
Genome position: GRCh38 VCF-style: chr3-155142234-CAG-C. GRCh37 (hg19) VCF-style: chr3-154860023-CAG-C.
Identifiers: ClinVar variation 3657636 (VCV003657636.2).
Genomic context (GRCh38, chr3:155,142,234, plus strand): 5'-CACTCTTCAGAAGCTTTGCAGCCTCATCTTTTCTGTTGCTGGGCGGTGGTTTTTTTTATA[CAG>C]AGATCTTCAAAATTTAATGTCCTGGAGATTCATAATGGATCTTGTAAGCAGCCTCAGCCG-3'

ClinVar aggregate classification (germline): Pathogenic (1 of 4 stars; one submission).

Submission:

Labcorp Genetics (formerly Invitae), Labcorp
Classification: Pathogenic. Last evaluated: 2024-06-24. Review status: criteria provided, single submitter. Criteria: Invitae Variant Classification Sherloc (09022015). Collection method: clinical testing. Allele origin: germline.
Comment: This sequence change creates a premature translational stop signal (p.Asp366Serfs*71) in the MME gene. It is expected to result in an absent or disrupted protein product. Loss-of-function variants in MME are known to be pathogenic (PMID: 26991897). This variant is present in population databases (rs760853459, gnomAD 0.002%). This variant has not been reported in the literature in individuals affected with MME-related conditions. Algorithms developed to predict the effect of sequence changes on RNA splicing suggest that this variant may disrupt the consensus splice site. For these reasons, this variant has been classified as Pathogenic.

Literature cited by the submitters: PubMed 26991897.